The following is an entry in ClinVar:

ClinVar aggregate classification (germline): Uncertain significance. Review status: criteria provided, multiple submitters, no conflicts (2 of 4 stars). 3 submissions from 3 submitters: Uncertain significance (3). Last evaluated 2026-04-23.

Conditions:
Hereditary cancer-predisposing syndrome. Also called: Hereditary neoplastic syndrome; Tumor predisposition; Hereditary Cancer Syndrome; Neoplastic Syndromes, Hereditary. Identifiers: Orphanet 140162, MedGen C0027672, MeSH D009386, MONDO:0015356.
Hereditary breast ovarian cancer syndrome. Also called: Hereditary breast and ovarian cancer; Breast and ovarian cancer; Hereditary breast and/or ovarian cancer syndrome; BRCA1- and BRCA2-Associated Hereditary Breast and Ovarian Cancer; Hereditary breast and ovarian cancer syndrome; Hereditary breast and ovarian cancer syndrome (HBOC). Identifiers: Orphanet 145, MedGen C0677776, MeSH D061325, MONDO:0003582. Disease mechanism: loss of function.

gnomAD v4.1: 1 of 1,612,776 alleles (0.000062%); highest among the groups gnomAD compares: Non-Finnish European, 0.000085%; no homozygotes.

Submissions (3):

Ambry Genetics
Classification: Uncertain significance for Hereditary cancer-predisposing syndrome. Last evaluated: 2026-04-23. Review status: criteria provided, single submitter. Criteria: Ambry Variant Classification Scheme 2023. Collection method: clinical testing. Allele origin: germline.
Comment: The p.C1372R variant (also known as c.4114T>C), located in coding exon 10 of the BRCA1 gene, results from a T to C substitution at nucleotide position 4114. The cysteine at codon 1372 is replaced by arginine, an amino acid with highly dissimilar properties. This amino acid position is poorly conserved in available vertebrate species. In addition, the in silico prediction for this alteration is inconclusive. Based on the available evidence, the clinical significance of this variant remains unclear.

Labcorp Genetics (formerly Invitae), Labcorp
Classification: Uncertain significance for Hereditary breast ovarian cancer syndrome. Last evaluated: 2025-09-10. Review status: criteria provided, single submitter. Criteria: Invitae Variant Classification Sherloc (09022015). Collection method: clinical testing. Allele origin: germline.
Comment: This sequence change replaces cysteine, which is neutral and slightly polar, with arginine, which is basic and polar, at codon 1372 of the BRCA1 protein (p.Cys1372Arg). This variant is present in population databases (no rsID available, gnomAD 0.0009%). This variant has not been reported in the literature in individuals affected with BRCA1-related conditions. ClinVar contains an entry for this variant (Variation ID: 3572269). Invitae Evidence Modeling of protein sequence and biophysical properties (such as structural, functional, and spatial information, amino acid conservation, physicochemical variation, residue mobility, and thermodynamic stability) indicates that this missense variant is not expected to disrupt BRCA1 protein function with a negative predictive value of 80%. In summary, the available evidence is currently insufficient to determine the role of this variant in disease. Therefore, it has been classified as a Variant of Uncertain Significance.

Quest Diagnostics Nichols Institute San Juan Capistrano
Classification: Uncertain significance. Last evaluated: 2024-08-19. Review status: criteria provided, single submitter. Criteria: Quest Diagnostics criteria. Collection method: clinical testing. Allele origin: unknown.
Comment: The BRCA1 c.4114T>C (p.Cys1372Arg) variant has not been reported in individuals with BRCA1-related conditions in the published literature. The frequency of this variant in the general population, 0.000004 (1/248798 chromosomes (Genome Aggregation Database)), is uninformative in the assessment of its pathogenicity. Analysis of this variant using bioinformatics tools for the prediction of the effect of amino acid changes on protein structure and function yielded predictions that this variant is benign. Based on the available information, we are unable to determine the clinical significance of this variant.

NM_007294.4(BRCA1):c.4114T>C (p.Cys1372Arg)

Gene: BRCA1 (BRCA1 DNA repair associated; minus strand). Cytogenetic location: 17q21.31.
Variant type: single nucleotide variant.
Coding change: c.4114T>C on transcript NM_007294.4 (MANE Select); coding-DNA position 4114, T replaced by C.
Protein change: p.Cys1372Arg; replaces cysteine 1372 with arginine.
Molecular consequence: missense variant.
Genome position (GRCh38, 1-based): chr17:43,091,015, A>G on the plus strand (T>C on the coding strand, the complement: BRCA1 is on the minus strand). VCF-style: chr17-43091015-A-G. GRCh37 (hg19) VCF-style: chr17-41243032-A-G.
Other names: c.3973T>C, p.Cys1325Arg (NM_007297.4, NM_001407692.1, NM_001407694.1 and 29 more transcripts); c.805T>C, p.Cys269Arg (NM_007298.4, NM_001407975.1, NM_001407976.1 and 17 more transcripts); c.4114T>C, p.Cys1372Arg (NM_001407596.1, NM_001407597.1, NM_001407598.1 and 30 more transcripts); c.4111T>C, p.Cys1371Arg (NM_001407610.1, NM_001407611.1, NM_001407612.1 and 22 more transcripts); c.4105T>C, p.Cys1369Arg (NM_001407646.1, NM_001407647.1); c.3991T>C, p.Cys1331Arg (NM_001407648.1, NM_001407664.1, NM_001407665.1 and 19 more transcripts); c.3988T>C, p.Cys1330Arg (NM_001407649.1, NM_001407670.1, NM_001407671.1 and 11 more transcripts); c.4036T>C, p.Cys1346Arg (NM_001407653.1, NM_001407654.1, NM_001407655.1 and 4 more transcripts); and 41 more; short protein forms C1245R, C1283R, C1284R, C1302R, C1372R, C160R, C181R, C221R.
Identifiers: ClinVar variation 3572269 (VCV003572269.3).